The following is an entry in ClinVar:

NM_005391.5(PDK3):c.964-4A>G

Gene: PDK3 (pyruvate dehydrogenase kinase 3; plus strand). Cytogenetic location: Xp22.11.
Variant type: single nucleotide variant.
Coding change: c.964-4A>G on transcript NM_005391.5 (MANE Select); 4 bases into the intron before coding-DNA position 964, A replaced by G.
Molecular consequence: intron variant.
Genome position (GRCh38, 1-based): chrX:24,531,653, A>G. VCF-style: chrX-24531653-A-G. GRCh37 (hg19) VCF-style: chrX-24549770-A-G.
Other names: c.964-4A>G (NM_001142386.3).
Identifiers: ClinVar variation 3638633 (VCV003638633.2).
Genomic context (GRCh38, chrX:24,531,653, plus strand): 5'-TCATCATATAAAATGTGTTAGCATTTGTGCCTGTCTCACTGTATTAATTTTCTTTTCTCA[A>G]TAGGCTGGATTTGGTTATGGTTTGCCAATTTCCCGTCTGTATGCTAGATATTTTCAAGGA-3'

ClinVar aggregate classification (germline): Uncertain significance (1 of 4 stars; one submission).

Conditions:
Charcot-Marie-Tooth disease X-linked dominant 6. Also called: CHARCOT-MARIE-TOOTH NEUROPATHY, X-LINKED DOMINANT, 6. Identifiers: Orphanet 352675, MedGen C3806702, MONDO:0010479, OMIM 300905.

Submission:

Labcorp Genetics (formerly Invitae), Labcorp
Classification: Uncertain significance for Charcot-Marie-Tooth disease X-linked dominant 6. Last evaluated: 2024-02-03. Review status: criteria provided, single submitter. Criteria: Invitae Variant Classification Sherloc (09022015). Collection method: clinical testing. Allele origin: germline.
Comment: This sequence change falls in intron 9 of the PDK3 gene. It does not directly change the encoded amino acid sequence of the PDK3 protein. This variant is not present in population databases (gnomAD no frequency). This variant has not been reported in the literature in individuals affected with PDK3-related conditions. Algorithms developed to predict the effect of sequence changes on RNA splicing suggest that this variant may disrupt the consensus splice site. In summary, the available evidence is currently insufficient to determine the role of this variant in disease. Therefore, it has been classified as a Variant of Uncertain Significance.